The following is an entry in ClinVar:

NM_000051.4(ATM):c.9079A>G (p.Ser3027Gly)

Genes: ATM (ATM serine/threonine kinase; plus strand), C11orf65 (chromosome 11 open reading frame 65; minus strand). Cytogenetic location: 11q22.3.
Variant type: single nucleotide variant.
Coding change: c.9079A>G on transcript NM_000051.4 (MANE Select); coding-DNA position 9079, A replaced by G.
Protein change: p.Ser3027Gly; replaces serine 3027 with glycine.
Molecular consequence: missense variant. On other transcripts: intron variant (2).
Genome position (GRCh38, 1-based): chr11:108,365,416, A>G. VCF-style: chr11-108365416-A-G. GRCh37 (hg19) VCF-style: chr11-108236143-A-G.
Other names: c.9079A>G, p.Ser3027Gly (NM_001351834.2); c.640+20504T>C (NM_001330368.2); c.694+20504T>C (NM_001351110.2); short protein forms S3027G.
Identifiers: ClinVar variation 627905 (VCV000627905.9), dbSNP rs763152094, ClinGen allele CA6266518.

ClinVar aggregate classification (germline): Uncertain significance. Review status: criteria provided, multiple submitters, no conflicts (2 of 4 stars). 2 submissions from 2 submitters: Uncertain significance (2). Last evaluated 2022-09-30.

Conditions:
Hereditary cancer-predisposing syndrome. Also called: Tumor predisposition; Hereditary neoplastic syndrome; Neoplastic Syndromes, Hereditary; Hereditary Cancer Syndrome. Identifiers: Orphanet 140162, MedGen C0027672, MeSH D009386, MONDO:0015356.
Ataxia-telangiectasia syndrome (AT). Also called: Ataxia-telangiectasia, complementation group D; AT, COMPLEMENTATION GROUP C; ATAXIA-TELANGIECTASIA, COMPLEMENTATION GROUP A; ATAXIA-TELANGIECTASIA, FRESNO VARIANT; Ataxia-telangiectasia; LOUIS-BAR SYNDROME. Identifiers: Orphanet 100, MedGen C0004135, MONDO:0008840, OMIM 208900.

Allele frequency attached by ClinVar (database versions not stated): ExAC 0.00001; gnomAD exomes below 0.00001.
gnomAD v4.1: 1 of 1,614,248 alleles (0.000062%); highest among the groups gnomAD compares: Non-Finnish European, 0.000085%; no homozygotes.

Submissions (2):

Labcorp Genetics (formerly Invitae), Labcorp
Classification: Uncertain significance for Ataxia-telangiectasia syndrome. Last evaluated: 2022-09-30. Review status: criteria provided, single submitter. Criteria: Invitae Variant Classification Sherloc (09022015). Collection method: clinical testing. Allele origin: germline.
Comment: This sequence change replaces serine, which is neutral and polar, with glycine, which is neutral and non-polar, at codon 3027 of the ATM protein (p.Ser3027Gly). This variant is present in population databases (rs763152094, gnomAD 0.0009%). This variant has not been reported in the literature in individuals affected with ATM-related conditions. ClinVar contains an entry for this variant (Variation ID: 627905). Algorithms developed to predict the effect of missense changes on protein structure and function (SIFT, PolyPhen-2, Align-GVGD) all suggest that this variant is likely to be disruptive. In summary, the available evidence is currently insufficient to determine the role of this variant in disease. Therefore, it has been classified as a Variant of Uncertain Significance.

Color Diagnostics, LLC DBA Color Health
Classification: Uncertain significance for Hereditary cancer-predisposing syndrome. Last evaluated: 2019-06-06. Review status: criteria provided, single submitter. Criteria: ACMG Guidelines, 2015. Collection method: clinical testing. Allele origin: germline.